The following is an entry in ClinVar:

ClinVar aggregate classification (germline): Uncertain significance (1 of 4 stars; one submission).

gnomAD v4.1: 16 of 1,551,498 alleles (0.001%); highest among the groups gnomAD compares: Admixed American, 0.0059%; no homozygotes.

Submission:

CeGaT Center for Human Genetics Tuebingen
Classification: Uncertain significance. Last evaluated: 2024-08-01. Review status: criteria provided, single submitter. Criteria: CeGaT Center For Human Genetics Tuebingen Variant Classification Criteria Version 2. Collection method: clinical testing. Allele origin: germline. Affected: yes. Observed: 1 variant allele.
Comment: IGF1R: PM2

NM_000875.5(IGF1R):c.3251G>A (p.Arg1084Gln)

Gene: IGF1R (insulin like growth factor 1 receptor; plus strand). Cytogenetic location: 15q26.3.
Variant type: single nucleotide variant.
Coding change: c.3251G>A on transcript NM_000875.5 (MANE Select); coding-DNA position 3251, G replaced by A.
Protein change: p.Arg1084Gln; replaces arginine 1084 with glutamine.
Molecular consequence: missense variant.
Genome position (GRCh38, 1-based): chr15:98,935,380, G>A. VCF-style: chr15-98935380-G-A. GRCh37 (hg19) VCF-style: chr15-99478609-G-A.
Other names: c.3248G>A, p.Arg1083Gln (NM_001291858.2); short protein forms R1083Q, R1084Q.
Identifiers: ClinVar variation 3341951 (VCV003341951.16).